The following is an entry in ClinVar:

ClinVar aggregate classification (germline): Pathogenic (1 of 4 stars; one submission).

Allele frequency attached by ClinVar (database versions not stated): ExAC 0.00001; gnomAD 0.00001; ESP Exome Variant Server 0.00008.
gnomAD v4.1: 5 of 1,603,120 alleles (0.00031%); highest among the groups gnomAD compares: African/African-American, 0.004%; no homozygotes.

Submission:

Labcorp Genetics (formerly Invitae), Labcorp
Classification: Pathogenic. Last evaluated: 2023-10-23. Review status: criteria provided, single submitter. Criteria: Invitae Variant Classification Sherloc (09022015). Collection method: clinical testing. Allele origin: germline.
Comment: This sequence change creates a premature translational stop signal (p.Gln41*) in the SCO2 gene. While this is not anticipated to result in nonsense mediated decay, it is expected to disrupt the last 226 amino acid(s) of the SCO2 protein. This variant is not present in population databases (gnomAD no frequency). This variant has not been reported in the literature in individuals affected with SCO2-related conditions. Algorithms developed to predict the effect of sequence changes on RNA splicing suggest that this variant may create or strengthen a splice site. This variant disrupts a region of the SCO2 protein in which other variant(s) (p.Gly193Ser) have been determined to be pathogenic (PMID: 19353847, 29193756, 32600061). This suggests that this is a clinically significant region of the protein, and that variants that disrupt it are likely to be disease-causing. For these reasons, this variant has been classified as Pathogenic.

Literature cited by the submitters: PubMed 19353847; PubMed 29193756; PubMed 32600061.

NM_005138.3(SCO2):c.121C>T (p.Gln41Ter)

Genes: NCAPH2 (non-SMC condensin II complex subunit H2; plus strand), SCO2 (synthesis of cytochrome C oxidase 2; minus strand). Cytogenetic location: 22q13.33.
Variant type: single nucleotide variant.
Coding change: c.121C>T on transcript NM_005138.3 (MANE Select); coding-DNA position 121, C replaced by T.
Protein change: p.Gln41Ter; replaces glutamine 41 with a stop codon.
Molecular consequence: nonsense. On other transcripts: 3 prime UTR variant (2).
Genome position (GRCh38, 1-based): chr22:50,524,291, G>A on the plus strand (C>T on the coding strand, the complement: SCO2 is on the minus strand). VCF-style: chr22-50524291-G-A. GRCh37 (hg19) VCF-style: chr22-50962720-G-A.
Other names: c.*916G>A (NM_001185011.2, NM_152299.4); c.121C>T, p.Gln41Ter (NM_001169109.2, NM_001169110.1, NM_001169111.2); short protein forms Q41*.
Identifiers: ClinVar variation 2776900 (VCV002776900.3), dbSNP rs368831999, ClinGen allele CA10321295.